The following is an entry in ClinVar:

NM_001040108.2(MLH3):c.325A>G (p.Ile109Val)

Gene: MLH3 (mutL homolog 3; minus strand). Cytogenetic location: 14q24.3.
Variant type: single nucleotide variant.
Coding change: c.325A>G on transcript NM_001040108.2 (MANE Select); coding-DNA position 325, A replaced by G.
Protein change: p.Ile109Val; replaces isoleucine 109 with valine.
Molecular consequence: missense variant.
Genome position (GRCh38, 1-based): chr14:75,049,331, T>C on the plus strand (A>G on the coding strand, the complement: MLH3 is on the minus strand). VCF-style: chr14-75049331-T-C. GRCh37 (hg19) VCF-style: chr14-75516034-T-C.
Other names: c.325A>G, p.Ile109Val (NM_014381.3); short protein forms I109V.
Identifiers: ClinVar variation 958945 (VCV000958945.12), dbSNP rs1162492250, ClinGen allele CA390450964.

ClinVar aggregate classification (germline): Uncertain significance. Review status: criteria provided, multiple submitters, no conflicts (2 of 4 stars). 2 submissions from 2 submitters: Uncertain significance (2). Last evaluated 2022-01-08.

Conditions:
Colorectal cancer, hereditary nonpolyposis, type 7. Identifiers: Orphanet 144, MedGen C1858380, MONDO:0013725, OMIM 614385.

Allele frequency attached by ClinVar (database versions not stated): gnomAD exomes below 0.00001 and 0.00001; gnomAD 0.00001; TOPMed 0.00001.
gnomAD v4.1: 8 of 1,614,068 alleles (0.0005%); highest among the groups gnomAD compares: Non-Finnish European, 0.00068%; no homozygotes.

Submissions (2):

Ambry Genetics
Classification: Uncertain significance. Last evaluated: 2022-01-08. Review status: criteria provided, single submitter. Criteria: Ambry Variant Classification Scheme 2023. Collection method: clinical testing. Allele origin: germline.
Comment: The p.I109V variant (also known as c.325A>G), located in coding exon 1 of the MLH3 gene, results from an A to G substitution at nucleotide position 325. The isoleucine at codon 109 is replaced by valine, an amino acid with highly similar properties. This amino acid position is conserved. In addition, this alteration is predicted to be tolerated by in silico analysis. Since supporting evidence is limited at this time, the clinical significance of this alteration remains unclear.

Labcorp Genetics (formerly Invitae), Labcorp
Classification: Uncertain significance for Colorectal cancer, hereditary nonpolyposis, type 7. Last evaluated: 2019-08-08. Review status: criteria provided, single submitter. Criteria: Invitae Variant Classification Sherloc (09022015). Collection method: clinical testing. Allele origin: germline.
Comment: In summary, the available evidence is currently insufficient to determine the role of this variant in disease. Therefore, it has been classified as a Variant of Uncertain Significance. Algorithms developed to predict the effect of missense changes on protein structure and function output the following: SIFT: "Tolerated"; PolyPhen-2: "Benign"; Align-GVGD: "Class C0". The valine amino acid residue is found in multiple mammalian species, suggesting that this missense change does not adversely affect protein function. These predictions have not been confirmed by published functional studies and their clinical significance is uncertain. This sequence change replaces isoleucine with valine at codon 109 of the MLH3 protein (p.Ile109Val). The isoleucine residue is moderately conserved and there is a small physicochemical difference between isoleucine and valine. This variant is not present in population databases (ExAC no frequency). This variant has not been reported in the literature in individuals with MLH3-related conditions.